The following is an entry in ClinVar:

ClinVar aggregate classification (germline): Pathogenic (1 of 4 stars; one submission).

Conditions:
Neuronal ceroid lipofuscinosis. Also called: Neuronal Ceroid Lipofuscinoses. Identifiers: Orphanet 216, Orphanet 79263, MedGen C0027877, MONDO:0016295. Disease mechanism: loss of function.

Submission:

Myriad Genetics, Inc.
Classification: Pathogenic for Neuronal ceroid lipofuscinosis. Last evaluated: 2026-08-20. Review status: criteria provided, single submitter. Criteria: Myriad Autosomal Dominant, Autosomal Recessive and X-Linked Classification Criteria (2023). Collection method: clinical testing. Allele origin: unknown.
Comment: NM_018941.3(CLN8):c.105C>A(Y35*) is a nonsense variant classified as pathogenic in the context of CLN8-related neuronal ceroid lipofuscinosis. Y35* has not been observed in cases with relevant disease. Relevant functional assessments of this variant are not available in the literature. Y35* has not been observed in referenced population frequency databases. In summary, NM_018941.3(CLN8):c.105C>A(Y35*) is a nonsense variant in a gene where loss of function is a known mechanism of disease and is predicted to disrupt protein function. Please note: this variant was assessed in the context of healthy population screening.

NM_018941.4(CLN8):c.105C>A (p.Tyr35Ter)

Gene: CLN8 (CLN8 transmembrane ER and ERGIC protein; plus strand). Cytogenetic location: 8p23.3.
Variant type: single nucleotide variant.
Coding change: c.105C>A on transcript NM_018941.4 (MANE Select); coding-DNA position 105, C replaced by A.
Protein change: p.Tyr35Ter; replaces tyrosine 35 with a stop codon.
Molecular consequence: nonsense.
Genome position (GRCh38, 1-based): chr8:1,771,159, C>A. VCF-style: chr8-1771159-C-A. GRCh37 (hg19) VCF-style: chr8-1719325-C-A.
Other names: short protein forms Y35*.
Identifiers: ClinVar variation 5003226 (VCV005003226.1).